The following is an entry in ClinVar:

NM_000350.3(ABCA4):c.3395T>C (p.Ile1132Thr)

Gene: ABCA4 (ATP binding cassette subfamily A member 4; minus strand). Cytogenetic location: 1p22.1.
Variant type: single nucleotide variant.
Coding change: c.3395T>C on transcript NM_000350.3 (MANE Select); coding-DNA position 3395, T replaced by C.
Protein change: p.Ile1132Thr; replaces isoleucine 1132 with threonine.
Molecular consequence: missense variant.
Genome position (GRCh38, 1-based): chr1:94,041,336, A>G on the plus strand (T>C on the coding strand, the complement: ABCA4 is on the minus strand). VCF-style: chr1-94041336-A-G. GRCh37 (hg19) VCF-style: chr1-94506892-A-G.
Other names: c.3173T>C, p.Ile1058Thr (NM_001425324.1); short protein forms I1132T, I1058T.
Identifiers: ClinVar variation 2824558 (VCV002824558.4), dbSNP rs2523765410, ClinGen allele CA341291045.
Genomic context (GRCh38, chr1:94,041,336, plus strand): 5'-CCAAAGCAGTTCTTCAGGAAGAGTGGGGTGCCTGAGCAGTAGAGCCTTCCCTGGGCAATG[A>G]TGGCAATGCGGTCCCCAAGGAGGTCGGCCTCGTCCATGTGGTGAGTGGACATGATGATGG-3'
Protein context (NP_000341.2, residues 1122-1142): EADLLGDRIA[Ile1132Thr]IAQGRLYCSG

ClinVar aggregate classification (germline): Conflicting classifications of pathogenicity. Review status: criteria provided, conflicting classifications (1 of 4 stars). 2 submissions from 2 submitters: Likely pathogenic (1); Uncertain significance (1). Last evaluated 2024-10-01.

Conditions:
Cone-rod dystrophy. Also called: Cone/cone-rod dystrophy; Cone-rod degeneration. Identifiers: Orphanet 1872, MedGen C4085590, MONDO:0015993, HP:0000548.

Submissions (2):

Lab De Baere, Eye and Developmental Genetics Lab, Ghent University
Classification: Likely pathogenic for Cone-rod dystrophy. Last evaluated: 2024-10-01. Review status: criteria provided, single submitter. Criteria: ACMG Guidelines, 2015. Collection method: research. Allele origin: inherited. Affected: yes. Observed: 1 variant allele.
Comment: ACMG/AMP guidelines: PM2, PP4_PP, PP5, PP3, PM3_PP

Labcorp Genetics (formerly Invitae), Labcorp
Classification: Uncertain significance. Last evaluated: 2022-12-27. Review status: criteria provided, single submitter. Criteria: Invitae Variant Classification Sherloc (09022015). Collection method: clinical testing. Allele origin: germline.
Comment: In summary, the available evidence is currently insufficient to determine the role of this variant in disease. Therefore, it has been classified as a Variant of Uncertain Significance. Advanced modeling of protein sequence and biophysical properties (such as structural, functional, and spatial information, amino acid conservation, physicochemical variation, residue mobility, and thermodynamic stability) performed at Invitae indicates that this missense variant is expected to disrupt ABCA4 protein function. This variant has not been reported in the literature in individuals affected with ABCA4-related conditions. This variant is not present in population databases (gnomAD no frequency). This sequence change replaces isoleucine, which is neutral and non-polar, with threonine, which is neutral and polar, at codon 1132 of the ABCA4 protein (p.Ile1132Thr).